The following is an entry in ClinVar:

ClinVar aggregate classification (germline): Uncertain significance. Review status: criteria provided, multiple submitters, no conflicts (2 of 4 stars). 2 submissions from 2 submitters: Uncertain significance (2). Last evaluated 2025-11-26.

Conditions:
Inborn genetic diseases. Identifiers: MedGen C0950123, MeSH D030342.

Allele frequency attached by ClinVar (database versions not stated): gnomAD exomes 0.00001; gnomAD 0.00001; ExAC 0.00002; TOPMed 0.00002.
gnomAD v4.1: 20 of 1,613,956 alleles (0.0012%); highest among the groups gnomAD compares: Non-Finnish European, 0.0015%; no homozygotes.

Submissions (2):

Ambry Genetics
Classification: Uncertain significance for Inborn genetic diseases. Last evaluated: 2025-11-26. Review status: criteria provided, single submitter. Criteria: Ambry Variant Classification Scheme 2023. Collection method: clinical testing. Allele origin: germline.

Labcorp Genetics (formerly Invitae), Labcorp
Classification: Uncertain significance. Last evaluated: 2023-09-13. Review status: criteria provided, single submitter. Criteria: Invitae Variant Classification Sherloc (09022015). Collection method: clinical testing. Allele origin: germline.
Comment: This sequence change replaces alanine, which is neutral and non-polar, with threonine, which is neutral and polar, at codon 94 of the PLVAP protein (p.Ala94Thr). This variant is present in population databases (rs766188433, gnomAD 0.002%). This variant has not been reported in the literature in individuals affected with PLVAP-related conditions. ClinVar contains an entry for this variant (Variation ID: 2082421). Advanced modeling of protein sequence and biophysical properties (such as structural, functional, and spatial information, amino acid conservation, physicochemical variation, residue mobility, and thermodynamic stability) performed at Invitae indicates that this missense variant is not expected to disrupt PLVAP protein function. In summary, the available evidence is currently insufficient to determine the role of this variant in disease. Therefore, it has been classified as a Variant of Uncertain Significance.

NM_031310.3(PLVAP):c.280G>A (p.Ala94Thr)

Gene: PLVAP (plasmalemma vesicle associated protein; minus strand). Cytogenetic location: 19p13.11.
Variant type: single nucleotide variant.
Coding change: c.280G>A on transcript NM_031310.3 (MANE Select); coding-DNA position 280, G replaced by A.
Protein change: p.Ala94Thr; replaces alanine 94 with threonine.
Molecular consequence: missense variant.
Genome position (GRCh38, 1-based): chr19:17,377,009, C>T on the plus strand (G>A on the coding strand, the complement: PLVAP is on the minus strand). VCF-style: chr19-17377009-C-T. GRCh37 (hg19) VCF-style: chr19-17487818-C-T.
Other names: c.280G>A (NM_031310.1); short protein forms A94T.
Identifiers: ClinVar variation 2082421 (VCV002082421.3), dbSNP rs766188433, ClinGen allele CA9294104.